The following is an entry in ClinVar:

NM_003929.3(RAB29):c.310C>G (p.Gln104Glu)

Gene: RAB29 (RAB29, member RAS oncogene family; minus strand). Cytogenetic location: 1q32.1.
Variant type: single nucleotide variant.
Coding change: c.310C>G on transcript NM_003929.3 (MANE Select); coding-DNA position 310, C replaced by G.
Protein change: p.Gln104Glu; replaces glutamine 104 with glutamic acid.
Molecular consequence: missense variant.
Genome position (GRCh38, 1-based): chr1:205,771,540, G>C on the plus strand (C>G on the coding strand, the complement: RAB29 is on the minus strand). VCF-style: chr1-205771540-G-C. GRCh37 (hg19) VCF-style: chr1-205740668-G-C.
Other names: p.Gln104Glu; c.310C>G, p.Gln104Glu (NM_001135662.2); c.238C>G, p.Gln80Glu (NM_001135663.2); c.94C>G, p.Gln32Glu (NM_001135664.2); short protein forms Q104E, Q32E, Q80E.
Identifiers: ClinVar variation 3037484 (VCV003037484.3), dbSNP rs41302139, ClinGen allele CA1356969.

ClinVar aggregate classification (germline): Benign. Review status: criteria provided, single submitter (1 of 4 stars). 2 submissions from 2 submitters: Benign (1). 1 of the submissions does not count toward it. Last evaluated 2023-02-21.

Conditions:
RAB29-related disorder. Also called: RAB29-related condition.

Allele frequency attached by ClinVar (database versions not stated): 1000 Genomes Project 0.00799; gnomAD 0.00977; ExAC 0.01284; TOPMed 0.00868; ESP Exome Variant Server 0.01076; 1000 Genomes Project 30x 0.00828; gnomAD exomes 0.01515.
gnomAD v4.1: 23,608 of 1,614,136 alleles (1.5%); highest among the groups gnomAD compares: South Asian, 3%; 256 homozygotes.

Submissions (2):

Mayo Clinic Laboratories, Mayo Clinic
Classification: Benign. Last evaluated: 2023-02-21. Review status: criteria provided, single submitter. Criteria: ACMG Guidelines, 2015. Collection method: clinical testing. Allele origin: germline. Observed: 25 variant alleles.
Comment: BS1, BS2

PreventionGenetics, part of Exact Sciences
Classification: Benign for RAB29-related condition. Last evaluated: 2019-06-21. Review status: no assertion criteria provided. Collection method: clinical testing. Allele origin: germline. Not counted in ClinVar's aggregate classification.
Comment: This variant is classified as benign based on ACMG/AMP sequence variant interpretation guidelines (Richards et al. 2015 PMID: 25741868, with internal and published modifications).